The following is an entry in ClinVar:

NM_014822.4(SEC24D):c.1614-10T>A

Gene: SEC24D (SEC24 homolog D, COPII coat complex component; minus strand). Cytogenetic location: 4q26.
Variant type: single nucleotide variant.
Coding change: c.1614-10T>A on transcript NM_014822.4 (MANE Select); 10 bases into the intron before coding-DNA position 1614, T replaced by A.
Molecular consequence: intron variant.
Genome position (GRCh38, 1-based): chr4:118,752,099, A>T on the plus strand (T>A on the coding strand, the complement: SEC24D is on the minus strand). VCF-style: chr4-118752099-A-T. GRCh37 (hg19) VCF-style: chr4-119673254-A-T.
Other names: c.1617-10T>A (NM_001318066.2).
Identifiers: ClinVar variation 1032642 (VCV001032642.1), dbSNP rs1404593679, ClinGen allele CA554163594.
Genomic context (GRCh38, chr4:118,752,099, plus strand): 5'-GTCTCATTTTCATTAGAGTCTGCAAACATGTCTGGAATCTGGTCCAACAAACTATAAGAC[A>T]TGAGTAAGCAAAAGGTTTGAAATGTTTAGCATATTTTAATAAACTTCAAGCAATAAATCA-3'

ClinVar aggregate classification (germline): Uncertain significance (1 of 4 stars; one submission).

Conditions:
Cole-Carpenter syndrome 2 (CLCRP2). Identifiers: Orphanet 2050, MedGen C4225382, MONDO:0014573, OMIM 616294.

Allele frequency attached by ClinVar (database versions not stated): gnomAD exomes below 0.00001.
gnomAD v4.1: 1 of 1,535,438 alleles (0.000065%); highest among the groups gnomAD compares: Admixed American, 0.0017%; no homozygotes.

Submission:

Baylor Genetics
Classification: Uncertain significance for Cole-Carpenter syndrome 2. Last evaluated: 2018-08-14. Review status: criteria provided, single submitter. Criteria: ACMG Guidelines, 2015. Collection method: clinical testing. Allele origin: unknown. Affected: yes.
Comment: This variant was determined to be of uncertain significance according to ACMG Guidelines, 2015 [PMID:25741868].